The following is an entry in ClinVar:

NM_013254.4(TBK1):c.682C>T (p.Arg228Cys)

Gene: TBK1 (TANK binding kinase 1; plus strand). Cytogenetic location: 12q14.2.
Variant type: single nucleotide variant.
Coding change: c.682C>T on transcript NM_013254.4 (MANE Select); coding-DNA position 682, C replaced by T.
Protein change: p.Arg228Cys; replaces arginine 228 with cysteine.
Molecular consequence: missense variant.
Genome position (GRCh38, 1-based): chr12:64,474,371, C>T. VCF-style: chr12-64474371-C-T. GRCh37 (hg19) VCF-style: chr12-64868151-C-T.
Other names: short protein forms R228C.
Identifiers: ClinVar variation 3665397 (VCV003665397.2).

ClinVar aggregate classification (germline): Uncertain significance (1 of 4 stars; one submission).

Conditions:
Frontotemporal dementia and/or amyotrophic lateral sclerosis 4. Also called: FTDALS4. Identifiers: Orphanet 275872, MedGen C4225325, MONDO:0014641, OMIM 616439.

gnomAD v4.1: 1 of 1,611,582 alleles (0.000062%); highest among the groups gnomAD compares: Non-Finnish European, 0.000085%; no homozygotes.

Submission:

Labcorp Genetics (formerly Invitae), Labcorp
Classification: Uncertain significance for Frontotemporal dementia and/or amyotrophic lateral sclerosis 4. Last evaluated: 2024-12-22. Review status: criteria provided, single submitter. Criteria: Invitae Variant Classification Sherloc (09022015). Collection method: clinical testing. Allele origin: germline.
Comment: This sequence change replaces arginine, which is basic and polar, with cysteine, which is neutral and slightly polar, at codon 228 of the TBK1 protein (p.Arg228Cys). This variant is not present in population databases (gnomAD no frequency). This missense change has been observed in individual(s) with clinical features of TBK1-related conditions (PMID: 32638105). An algorithm developed to predict the effect of missense changes on protein structure and function (PolyPhen-2) suggests that this variant is likely to be disruptive. In summary, the available evidence is currently insufficient to determine the role of this variant in disease. Therefore, it has been classified as a Variant of Uncertain Significance.

Literature cited by the submitters: PubMed 32638105.